The following is an entry in ClinVar:

ClinVar aggregate classification (germline): Uncertain significance (1 of 4 stars; one submission).

Submission:

Women's Health and Genetics/Laboratory Corporation of America, LabCorp
Classification: Uncertain significance. Last evaluated: 2026-04-09. Review status: criteria provided, single submitter. Criteria: LabCorp Variant Classification Summary - May 2015. Collection method: clinical testing. Allele origin: germline.
Comment: Variant summary: COL7A1 c.6145G>C (p.Gly2049Arg) results in a non-conservative amino acid change in the encoded protein sequence. Algorithms developed to predict the effect of missense changes on protein structure and function all suggest that this variant is likely to be disruptive. The frequency data for this variant in gnomAD is considered unreliable, as metrics indicate poor data quality at this position. To our knowledge, no occurrence of c.6145G>C in individuals affected with COL7A1-related conditions and no experimental evidence demonstrating its impact on protein function have been reported. This variant disrupts the triple helix domain of COL7A1. Glycine residues within the Gly-Xaa-Yaa repeats of the triple helix domain are required for the structure and stability of fibrillar collagens (PMID: 7695699, 8218237, 19344236). A different variant affecting the same codon has been classified as pathogenic (c.6146G>A, p.Gly2049Glu) by our lab, including occurrence in individuals affected with autosomal recessive dystrophic epidermolysis bullosa (PMID: 9326325), supporting the critical relevance of codon 2049 to COL7A1 protein function. No submitters have cited clinical-significance assessments for this variant to ClinVar. Based on the evidence outlined above, the variant was classified as VUS-possibly pathogenic.

NM_000094.4(COL7A1):c.6145G>C (p.Gly2049Arg)

Gene: COL7A1 (collagen type VII alpha 1 chain; minus strand). Cytogenetic location: 3p21.31.
Variant type: single nucleotide variant.
Coding change: c.6145G>C on transcript NM_000094.4 (MANE Select); coding-DNA position 6145, G replaced by C.
Protein change: p.Gly2049Arg; replaces glycine 2049 with arginine.
Molecular consequence: missense variant.
Genome position (GRCh38, 1-based): chr3:48,575,374, C>G on the plus strand (G>C on the coding strand, the complement: COL7A1 is on the minus strand). VCF-style: chr3-48575374-C-G. GRCh37 (hg19) VCF-style: chr3-48612807-C-G.
Other names: short protein forms G2049R.
Identifiers: ClinVar variation 4848727 (VCV004848727.1).